The following is an entry in ClinVar:

NM_005609.4(PYGM):c.1657G>T (p.Glu553Ter)

Gene: PYGM (glycogen phosphorylase, muscle associated; minus strand). Cytogenetic location: 11q13.1.
Variant type: single nucleotide variant.
Coding change: c.1657G>T on transcript NM_005609.4 (MANE Select); coding-DNA position 1657, G replaced by T.
Protein change: p.Glu553Ter; replaces glutamic acid 553 with a stop codon.
Molecular consequence: nonsense.
Genome position (GRCh38, 1-based): chr11:64,752,035, C>A on the plus strand (G>T on the coding strand, the complement: PYGM is on the minus strand). VCF-style: chr11-64752035-C-A. GRCh37 (hg19) VCF-style: chr11-64519507-C-A.
Other names: c.1393G>T, p.Glu465Ter (NM_001164716.1); short protein forms E465*, E553*.
Identifiers: ClinVar variation 857820 (VCV000857820.9), dbSNP rs1311913891, ClinGen allele CA381171089.

ClinVar aggregate classification (germline): Pathogenic. Review status: criteria provided, multiple submitters, no conflicts (2 of 4 stars). 2 submissions from 2 submitters: Pathogenic (2). Last evaluated 2024-05-08.

Conditions:
Glycogen storage disease, type V (GSD5). Also called: MCARDLE DISEASE; MUSCLE GLYCOGEN PHOSPHORYLASE DEFICIENCY; MYOPHOSPHORYLASE DEFICIENCY; PYGM DEFICIENCY; McArdle type glycogen storage disease. Identifiers: Orphanet 368, MedGen C0017924, MONDO:0009293, OMIM 232600.

gnomAD v4.1: 1 of 1,611,984 alleles (0.000062%); highest among the groups gnomAD compares: Non-Finnish European, 0.000085%; no homozygotes.

Submissions (2):

Myriad Genetics, Inc.
Classification: Pathogenic for Glycogen storage disease, type V. Last evaluated: 2024-05-08. Review status: criteria provided, single submitter. Criteria: Myriad Autosomal Dominant, Autosomal Recessive and X-Linked Classification Criteria (2023). Collection method: clinical testing. Allele origin: unknown.
Comment: NM_005609.2(PYGM):c.1657G>T(E553*) is expected to be pathogenic in the context of glycogen storage disease, PYGM-related. This variant is predicted to lead to an abnormal or absent protein product due to the creation of a premature termination codon in PYGM, a gene where loss-of-function variants are known to be pathogenic. Please note: this variant was assessed in the context of healthy population screening.

Labcorp Genetics (formerly Invitae), Labcorp
Classification: Pathogenic for Glycogen storage disease, type V. Last evaluated: 2019-12-30. Review status: criteria provided, single submitter. Criteria: Invitae Variant Classification Sherloc (09022015). Collection method: clinical testing. Allele origin: germline.
Comment: For these reasons, this variant has been classified as Pathogenic. Loss-of-function variants in PYGM are known to be pathogenic (PMID: 8316268, 16786513). This variant has not been reported in the literature in individuals with PYGM-related conditions. This variant is not present in population databases (ExAC no frequency). This sequence change creates a premature translational stop signal (p.Glu553*) in the PYGM gene. It is expected to result in an absent or disrupted protein product.

Literature cited by the submitters: PubMed 8316268 (cited by Labcorp Genetics (formerly Invitae), Labcorp); PubMed 16786513 (cited by Labcorp Genetics (formerly Invitae), Labcorp).